The following is an entry in ClinVar:

NM_001017975.6(HFM1):c.3396G>A (p.Thr1132=)

Gene: HFM1 (helicase for meiosis 1; minus strand). Cytogenetic location: 1p22.2.
Variant type: single nucleotide variant.
Coding change: c.3396G>A on transcript NM_001017975.6 (MANE Select); coding-DNA position 3396, G replaced by A.
Protein change: p.Thr1132=; no amino-acid change (threonine 1132 retained).
Molecular consequence: synonymous variant. On other transcripts: non-coding transcript variant (1).
Genome position (GRCh38, 1-based): chr1:91,277,058, C>T on the plus strand (G>A on the coding strand, the complement: HFM1 is on the minus strand). VCF-style: chr1-91277058-C-T. GRCh37 (hg19) VCF-style: chr1-91742615-C-T.
Identifiers: ClinVar variation 2638927 (VCV002638927.24), dbSNP rs777469233, ClinGen allele CA945613.
Genomic context (GRCh38, chr1:91,277,058, plus strand): 5'-TGTATGTTTACTTTTACAAAGATGATTGCATTCTCGGTTCCCAGGTTTTTTGCTGGCAGT[C>T]GTTCCTAAATTAATATAAGAAAAACAAATCCATTTGTCACTACATTTATTATTGTTAATT-3'
Protein context (NP_001017975.5, residues 1122-1142): ISTIAGPNKG[Thr1132=]TASKKPGNRE

ClinVar aggregate classification (germline): Likely benign (1 of 4 stars; one submission).

Allele frequency attached by ClinVar (database versions not stated): gnomAD 0.00003; TOPMed 0.00003.
gnomAD v4.1: 69 of 1,575,464 alleles (0.0044%); highest among the groups gnomAD compares: Admixed American, 0.0087%; no homozygotes.

Submission:

CeGaT Center for Human Genetics Tuebingen
Classification: Likely benign. Last evaluated: 2022-11-01. Review status: criteria provided, single submitter. Criteria: CeGaT Center For Human Genetics Tuebingen Variant Classification Criteria Version 2. Collection method: clinical testing. Allele origin: germline. Affected: yes. Observed: 1 variant allele.
Comment: HFM1: BP4, BP7